The following is an entry in ClinVar:

NM_025114.4(CEP290):c.1882A>G (p.Thr628Ala)

Gene: CEP290 (centrosomal protein 290; minus strand). Cytogenetic location: 12q21.32.
Variant type: single nucleotide variant.
Coding change: c.1882A>G on transcript NM_025114.4 (MANE Select); coding-DNA position 1882, A replaced by G.
Protein change: p.Thr628Ala; replaces threonine 628 with alanine.
Molecular consequence: missense variant.
Genome position (GRCh38, 1-based): chr12:88,115,125, T>C on the plus strand (A>G on the coding strand, the complement: CEP290 is on the minus strand). VCF-style: chr12-88115125-T-C. GRCh37 (hg19) VCF-style: chr12-88508902-T-C.
Other names: short protein forms T628A.
Identifiers: ClinVar variation 4992166 (VCV004992166.1).

ClinVar aggregate classification (germline): Uncertain significance (1 of 4 stars; one submission).

Conditions:
CEP290-related disorder. Also called: CEP290-related condition; CEP290-related disorders. Identifiers: MedGen CN239314.

gnomAD v4.1: 2 of 1,489,180 alleles (0.00013%); highest among the groups gnomAD compares: South Asian, 0.0012%; no homozygotes.

Submission:

PreventionGenetics, part of Exact Sciences
Classification: Uncertain significance for CEP290-related condition. Last evaluated: 2025-10-06. Review status: criteria provided, single submitter. Criteria: ACMG Guidelines, 2015. Collection method: clinical testing. Allele origin: germline.
Comment: The CEP290 c.1882A>G variant is predicted to result in the amino acid substitution p.Thr628Ala. To our knowledge, this variant has not been reported in the literature. This variant is reported in 0.0044% of alleles in individuals of South Asian descent in gnomAD. At this time, the clinical significance of this variant is uncertain due to the absence of conclusive functional and genetic evidence.